The following is an entry in ClinVar:

NM_001042492.3(NF1):c.5389_5390dup (p.Asn1797fs)

Gene: NF1 (neurofibromin 1; plus strand). Cytogenetic location: 17q11.2.
Variant type: Duplication.
Coding change: c.5389_5390dup on transcript NM_001042492.3 (MANE Select); coding-DNA positions 5389 to 5390, 2 bases duplicated (AA; older notation c.5389_5390dupAA).
Protein change: p.Asn1797fs; shifts the reading frame from asparagine 1797.
Molecular consequence: frameshift variant.
Genome position (GRCh38, 1-based): chr17:31,327,619-31,327,620, AA duplicated. VCF-style (leftmost placement, unchanged base first): chr17-31327618-G-GAA. GRCh37 (hg19) VCF-style: chr17-29654636-G-GAA.
Other names: c.5326_5327dup, p.Asn1776Lysfs (NM_000267.4); short protein forms N1776fs, N1797fs.
Identifiers: ClinVar variation 2851929 (VCV002851929.3), dbSNP rs2151541194, ClinGen allele CA2739267467.
Genomic context (GRCh38, chr17:31,327,618, plus strand): 5'-AGTCTTTCTAAATGACATTTATTATGCTTCGGAAATTGAAGAAATCTGCCTAGTAGATGA[G>GAA]AACCAGTTCACCTTAACCATTGCAAACCAGGGCACGCCGCTCACCTTCATGCACCAGGAG-3'

ClinVar aggregate classification (germline): Pathogenic (1 of 4 stars; one submission).

Conditions:
Neurofibromatosis, type 1 (NF1). Also called: VON RECKLINGHAUSEN DISEASE; Neurofibromatosis, type I; Peripheral type neurofibromatosis; NEUROFIBROMATOSIS, TYPE I, SOMATIC. Identifiers: Orphanet 636, MedGen C0027831, MONDO:0018975, OMIM 162200. Disease mechanism: loss of function.

Submission:

Labcorp Genetics (formerly Invitae), Labcorp
Classification: Pathogenic for Neurofibromatosis, type 1. Last evaluated: 2024-01-05. Review status: criteria provided, single submitter. Criteria: Invitae Variant Classification Sherloc (09022015). Collection method: clinical testing. Allele origin: germline.
Comment: This sequence change creates a premature translational stop signal (p.Asn1776Lysfs*6) in the NF1 gene. It is expected to result in an absent or disrupted protein product. Loss-of-function variants in NF1 are known to be pathogenic (PMID: 10712197, 23913538). This variant is not present in population databases (gnomAD no frequency). This variant has not been reported in the literature in individuals affected with NF1-related conditions. Algorithms developed to predict the effect of sequence changes on RNA splicing suggest that this variant may disrupt the consensus splice site. For these reasons, this variant has been classified as Pathogenic.

Literature cited by the submitters: PubMed 10712197; PubMed 23913538.